The following is an entry in ClinVar:

ClinVar aggregate classification (germline): Uncertain significance. Review status: criteria provided, multiple submitters, no conflicts (2 of 4 stars). 2 submissions from 2 submitters: Uncertain significance (2). Last evaluated 2025-06-27.

Conditions:
Charcot-Marie-Tooth disease axonal type 2O. Also called: Charcot-Marie-Tooth disease, axonal, type 20; Charcot-Marie-Tooth Neuropathy Type 2O; CHARCOT-MARIE-TOOTH NEUROPATHY, AXONAL, TYPE 2O; CHARCOT-MARIE-TOOTH DISEASE, AXONAL, AUTOSOMAL DOMINANT, TYPE 2O. Identifiers: Orphanet 284232, MedGen C3280220, MONDO:0013644, OMIM 614228.
Inborn genetic diseases. Identifiers: MedGen C0950123, MeSH D030342.

Allele frequency attached by ClinVar (database versions not stated): gnomAD 0.00001; ESP Exome Variant Server 0.00008; gnomAD exomes below 0.00001; TOPMed 0.00009.
gnomAD v4.1: 6 of 1,614,024 alleles (0.00037%); highest among the groups gnomAD compares: Admixed American, 0.0033%; no homozygotes.

Submissions (2):

Labcorp Genetics (formerly Invitae), Labcorp
Classification: Uncertain significance for Charcot-Marie-Tooth disease axonal type 2O. Last evaluated: 2025-06-27. Review status: criteria provided, single submitter. Criteria: Invitae Variant Classification Sherloc (09022015). Collection method: clinical testing. Allele origin: germline.
Comment: This sequence change replaces serine, which is neutral and polar, with leucine, which is neutral and non-polar, at codon 1036 of the DYNC1H1 protein (p.Ser1036Leu). This variant is present in population databases (rs369033191, gnomAD no frequency). This variant has not been reported in the literature in individuals affected with DYNC1H1-related conditions. ClinVar contains an entry for this variant (Variation ID: 847824). Invitae Evidence Modeling of protein sequence and biophysical properties (such as structural, functional, and spatial information, amino acid conservation, physicochemical variation, residue mobility, and thermodynamic stability) indicates that this missense variant is not expected to disrupt DYNC1H1 protein function with a negative predictive value of 95%. In summary, the available evidence is currently insufficient to determine the role of this variant in disease. Therefore, it has been classified as a Variant of Uncertain Significance.

Ambry Genetics
Classification: Uncertain significance for Inborn genetic diseases. Last evaluated: 2024-10-08. Review status: criteria provided, single submitter. Criteria: Ambry Variant Classification Scheme 2023. Collection method: clinical testing. Allele origin: germline.

NM_001376.5(DYNC1H1):c.3107C>T (p.Ser1036Leu)

Gene: DYNC1H1 (dynein cytoplasmic 1 heavy chain 1; plus strand). Cytogenetic location: 14q32.31.
Variant type: single nucleotide variant.
Coding change: c.3107C>T on transcript NM_001376.5 (MANE Select); coding-DNA position 3107, C replaced by T.
Protein change: p.Ser1036Leu; replaces serine 1036 with leucine.
Molecular consequence: missense variant.
Genome position (GRCh38, 1-based): chr14:101,994,275, C>T. VCF-style: chr14-101994275-C-T. GRCh37 (hg19) VCF-style: chr14-102460612-C-T.
Other names: short protein forms S1036L.
Identifiers: ClinVar variation 847824 (VCV000847824.8), dbSNP rs369033191, ClinGen allele CA266986865.